The following is an entry in ClinVar:

ClinVar aggregate classification (germline): Uncertain significance (1 of 4 stars; one submission).

Conditions:
Cardiomyopathy (CMYO). Also called: Cardiomyopathies. Identifiers: Orphanet 167848, MedGen C0878544, MONDO:0004994, HP:0001638. Inheritance: Various modes of inheritance.

Submission:

All of Us Research Program, National Institutes of Health
Classification: Uncertain significance for Cardiomyopathy. Last evaluated: 2023-08-23. Review status: criteria provided, single submitter. Criteria: ACMG Guidelines, 2015. Collection method: clinical testing. Allele origin: germline. Inheritance: Autosomal dominant inheritance. Observed: 1 variant allele, 1 heterozygote.
Comment: This missense variant replaces asparagine with lysine at codon 1678 of the MYH7 protein. Computational prediction is inconclusive regarding the impact of this variant on protein structure and function (internally defined REVEL score threshold 0.5 < inconclusive < 0.7, PMID: 27666373). To our knowledge, functional studies have not been reported for this variant. This variant has not been reported in individuals affected with MYH7-related disorders in the literature. This variant has not been identified in the general population by the Genome Aggregation Database (gnomAD). The available evidence is insufficient to determine the role of this variant in disease conclusively. Therefore, this variant is classified as a Variant of Uncertain Significance.

This study involves interpretation of variants in research participants for the purpose of population health screening. Participant phenotype was not available at the time of variant classification. Additional details can be found in publication PMID: 35346344, PMCID: PMC8962531

NM_000257.4(MYH7):c.5034C>G (p.Asn1678Lys)

Genes: MHRT (myosin heavy chain associated RNA transcript; plus strand), MYH7 (myosin heavy chain 7; minus strand), LOC126861897 (BRD4-independent group 4 enhancer GRCh37_chr14:23884455-23885654; plus strand). Cytogenetic location: 14q11.2.
Variant type: single nucleotide variant.
Coding change: c.5034C>G on transcript NM_000257.4 (MANE Select); coding-DNA position 5034, C replaced by G.
Protein change: p.Asn1678Lys; replaces asparagine 1678 with lysine.
Molecular consequence: missense variant. On other transcripts: non-coding transcript variant (1).
Genome position (GRCh38, 1-based): chr14:23,415,752, G>C on the plus strand (C>G on the coding strand, the complement: MYH7 is on the minus strand). VCF-style: chr14-23415752-G-C. GRCh37 (hg19) VCF-style: chr14-23884961-G-C.
Other names: c.5034C>G, p.Asn1678Lys (NM_001407004.1); short protein forms N1678K.
Identifiers: ClinVar variation 3073125 (VCV003073125.1), dbSNP rs766855849, ClinGen allele CA389037098.